The following is an entry in ClinVar:

ClinVar aggregate classification (germline): Uncertain significance. Review status: criteria provided, multiple submitters, no conflicts (2 of 4 stars). 2 submissions from 2 submitters: Uncertain significance (2). Last evaluated 2026-03-26.

gnomAD v4.1: 25 of 1,613,962 alleles (0.0015%); highest among the groups gnomAD compares: Non-Finnish European, 0.0019%; no homozygotes.

Submissions (2):

GeneDx
Classification: Uncertain significance. Last evaluated: 2026-03-26. Review status: criteria provided, single submitter. Criteria: GeneDx Variant Classification Process June 2021. Collection method: clinical testing. Allele origin: germline.
Comment: In silico analysis suggests that this missense variant does not alter protein structure/function; Has not been previously published as pathogenic or benign to our knowledge

Blueprint Genetics
Classification: Uncertain significance. Last evaluated: 2018-11-14. Review status: criteria provided, single submitter. Criteria: ACMG Guidelines, 2015. Collection method: clinical testing. Allele origin: germline.

NM_015046.7(SETX):c.103G>A (p.Glu35Lys)

Gene: SETX (senataxin; minus strand). Cytogenetic location: 9q34.13.
Variant type: single nucleotide variant.
Coding change: c.103G>A on transcript NM_015046.7 (MANE Select); coding-DNA position 103, G replaced by A.
Protein change: p.Glu35Lys; replaces glutamic acid 35 with lysine.
Molecular consequence: missense variant.
Genome position (GRCh38, 1-based): chr9:132,349,326, C>T on the plus strand (G>A on the coding strand, the complement: SETX is on the minus strand). VCF-style: chr9-132349326-C-T. GRCh37 (hg19) VCF-style: chr9-135224713-C-T.
Other names: c.103G>A, p.Glu35Lys (NM_001351527.2, NM_001351528.2); short protein forms E35K.
Identifiers: ClinVar variation 4905128 (VCV004905128.2).
Genomic context (GRCh38, chr9:132,349,326, plus strand): 5'-GCAATTCATCTCTTGCTTTGTGGTACTCAGCCACACACTCCAAGCAGTAGCAGAGGTCTT[C>T]GTCGGCTGTTTGAAATTCACCGGACGGAGTGTTGGAAGCATAGCGCTTTAGGAAGTCAAT-3'
Protein context (NP_055861.3, residues 25-45): TPSGEFQTAD[Glu35Lys]DLCYCLECVA